The following is an entry in ClinVar:

NM_001084.5(PLOD3):c.1978G>A (p.Glu660Lys)

Gene: PLOD3 (procollagen-lysine,2-oxoglutarate 5-dioxygenase 3; minus strand). Cytogenetic location: 7q22.1.
Variant type: single nucleotide variant.
Coding change: c.1978G>A on transcript NM_001084.5 (MANE Select); coding-DNA position 1978, G replaced by A.
Protein change: p.Glu660Lys; replaces glutamic acid 660 with lysine.
Molecular consequence: missense variant.
Genome position (GRCh38, 1-based): chr7:101,206,862, C>T on the plus strand (G>A on the coding strand, the complement: PLOD3 is on the minus strand). VCF-style: chr7-101206862-C-T. GRCh37 (hg19) VCF-style: chr7-100850143-C-T.
Other names: short protein forms E660K.
Identifiers: ClinVar variation 4704818 (VCV004704818.1).

ClinVar aggregate classification (germline): Uncertain significance (1 of 4 stars; one submission).

gnomAD v4.1: 15 of 1,562,776 alleles (0.00096%); highest among the groups gnomAD compares: East Asian, 0.0071%; no homozygotes.

Submission:

Labcorp Genetics (formerly Invitae), Labcorp
Classification: Uncertain significance. Last evaluated: 2025-07-08. Review status: criteria provided, single submitter. Criteria: Invitae Variant Classification Sherloc (09022015). Collection method: clinical testing. Allele origin: germline.
Comment: This sequence change replaces glutamic acid, which is acidic and polar, with lysine, which is basic and polar, at codon 660 of the PLOD3 protein (p.Glu660Lys). This variant is present in population databases (rs761576023, gnomAD 0.01%). This variant has not been reported in the literature in individuals affected with PLOD3-related conditions. Invitae Evidence Modeling of protein sequence and biophysical properties (such as structural, functional, and spatial information, amino acid conservation, physicochemical variation, residue mobility, and thermodynamic stability) has been performed for this missense variant. However, the output from this modeling did not meet the statistical confidence thresholds required to predict the impact of this variant on PLOD3 protein function. In summary, the available evidence is currently insufficient to determine the role of this variant in disease. Therefore, it has been classified as a Variant of Uncertain Significance.